The following is an entry in ClinVar:

NM_001109878.2(TBX22):c.*6C>A

Gene: TBX22 (T-box transcription factor 22). Cytogenetic location: Xq21.1.
Variant type: single nucleotide variant.
Coding change: c.*6C>A on transcript NM_001109878.2 (MANE Select); 6 bases downstream of the stop codon, C replaced by A.
Molecular consequence: 3 prime UTR variant.
Genome position (GRCh38, 1-based): chrX:80,031,117, C>A. VCF-style: chrX-80031117-C-A. GRCh37 (hg19) VCF-style: chrX-79286616-C-A.
Other names: c.*6C>A (NM_001109879.2, NM_001303475.1, NM_016954.2).
Identifiers: ClinVar variation 368672 (VCV000368672.7), dbSNP rs137881052, ClinGen allele CA10461426.

ClinVar aggregate classification (germline): Benign. Review status: criteria provided, single submitter (1 of 4 stars). 2 submissions from 2 submitters: Benign (1). 1 of the submissions does not count toward it. Last evaluated 2018-01-12.

Conditions:
Cleft palate with or without ankyloglossia, X-linked. Identifiers: Orphanet 324601, MedGen C1844830, MONDO:0010560, OMIM 303400.
TBX22-related disorder. Also called: TBX22-related condition.

Allele frequency attached by ClinVar (database versions not stated): gnomAD exomes 0.00081 and 0.00194; ExAC 0.00242; ESP Exome Variant Server 0.00720; gnomAD 0.00745 and 0.00802; 1000 Genomes Project 0.00768; 1000 Genomes Project 30x 0.00853; TOPMed 0.00885.
gnomAD v4.1: 1,735 of 1,200,191 alleles (0.14%); highest among the groups gnomAD compares: African/African-American, 2.7%; 14 homozygotes.

Submissions (2):

Illumina Laboratory Services, Illumina
Classification: Benign for Cleft palate with or without ankyloglossia, X-linked. Last evaluated: 2018-01-12. Review status: criteria provided, single submitter. Criteria: ICSL Variant Classification Criteria 13 December 2019. Collection method: clinical testing. Allele origin: germline.
Comment: This variant was observed in the ICSL laboratory as part of a predisposition screen in an ostensibly healthy population. It had not been previously curated by ICSL or reported in the Human Gene Mutation Database (HGMD: prior to June 1st, 2018), and was therefore a candidate for classification through an automated scoring system. Utilizing variant allele frequency, disease prevalence and penetrance estimates, and inheritance mode, an automated score was calculated to assess if this variant is too frequent to cause the disease. Based on the score and internal cut-off values, a variant classified as benign is not then subjected to further curation. The score for this variant resulted in a classification of benign for this disease.

PreventionGenetics, part of Exact Sciences
Classification: Benign for TBX22-related condition. Last evaluated: 2019-05-20. Review status: no assertion criteria provided. Collection method: clinical testing. Allele origin: germline. Not counted in ClinVar's aggregate classification.
Comment: This variant is classified as benign based on ACMG/AMP sequence variant interpretation guidelines (Richards et al. 2015 PMID: 25741868, with internal and published modifications).